The following is an entry in ClinVar:

NM_016138.5(COQ7):c.252+121C>T

Gene: COQ7 (coenzyme Q7, hydroxylase; plus strand). Cytogenetic location: 16p12.3.
Variant type: single nucleotide variant.
Coding change: c.252+121C>T on transcript NM_016138.5 (MANE Select); 121 bases into the intron after coding-DNA position 252, C replaced by T.
Molecular consequence: intron variant.
Genome position (GRCh38, 1-based): chr16:19,072,227, C>T. VCF-style: chr16-19072227-C-T. GRCh37 (hg19) VCF-style: chr16-19083549-C-T.
Other names: c.252+121C>T (NM_001370490.1); c.138+121C>T (NM_001370494.1, NM_001190983.2, NM_001370495.1 and 2 more transcripts); c.210+121C>T (NM_001370489.1, NM_001370491.1).
Identifiers: ClinVar variation 683576 (VCV000683576.2), dbSNP rs9673167, ClinGen allele CA14353999.
Genomic context (GRCh38, chr16:19,072,227, plus strand): 5'-AAGTAATGAATCATGGGAGGTCAAGCGTTCCCTAGGGAGATGCCATTGTCTCCAGGAGAG[C>T]GAAGGTTGGTTCTTGGTGGAGATGGGGAGCAAAAAGCATATTGTTCTTTTTATGGATAAA-3'

ClinVar aggregate classification (germline): Benign. Review status: criteria provided, multiple submitters, no conflicts (2 of 4 stars). 2 submissions from 2 submitters: Benign (2). Last evaluated 2018-06-14.

Allele frequency attached by ClinVar (database versions not stated): TOPMed 0.54507; gnomAD 0.54614 and 0.55614; 1000 Genomes Project 30x 0.56496; 1000 Genomes Project 0.57488; gnomAD exomes 0.63773.
gnomAD v4.1: 767,643 of 1,223,590 alleles (63%); highest among the groups gnomAD compares: East Asian, 83%; 246,158 homozygotes.

Submissions (2):

GeneDx
Classification: Benign. Last evaluated: 2018-06-14. Review status: criteria provided, single submitter. Criteria: GeneDx Variant Classification (06012015). Collection method: clinical testing. Allele origin: germline. Affected: yes.
Comment: This variant is considered likely benign or benign based on one or more of the following criteria: it is a conservative change, it occurs at a poorly conserved position in the protein, it is predicted to be benign by multiple in silico algorithms, and/or has population frequency not consistent with disease.

Breakthrough Genomics
Classification: Benign. Review status: criteria provided, single submitter. Criteria: ACMG Guidelines, 2015. Collection method: not provided. Allele origin: germline. Inheritance: Autosomal recessive inheritance. Affected: yes.